The following is an entry in ClinVar:

NM_000133.4(F9):c.177C>G (p.Asn59Lys)

Gene: F9 (coagulation factor IX; plus strand). Cytogenetic location: Xq27.1.
Variant type: single nucleotide variant.
Coding change: c.177C>G on transcript NM_000133.4 (MANE Select); coding-DNA position 177, C replaced by G.
Protein change: p.Asn59Lys; replaces asparagine 59 with lysine.
Molecular consequence: missense variant.
Genome position (GRCh38, 1-based): chrX:139,537,098, C>G. VCF-style: chrX-139537098-C-G. GRCh37 (hg19) VCF-style: chrX-138619257-C-G.
Other names: c.177C>G, p.Asn59Lys (NM_001313913.2); short protein forms N59K.
Identifiers: ClinVar variation 3339348 (VCV003339348.1).

ClinVar aggregate classification (germline): Uncertain significance (1 of 4 stars; one submission).

Submission:

Women's Health and Genetics/Laboratory Corporation of America, LabCorp
Classification: Uncertain significance. Last evaluated: 2024-07-24. Review status: criteria provided, single submitter. Criteria: LabCorp Variant Classification Summary - May 2015. Collection method: clinical testing. Allele origin: germline.
Comment: Variant summary: F9 c.177C>G (p.Asn59Lys) results in a non-conservative amino acid change located in the Gamma-carboxyglutamic acid-rich (GLA) domain (IPR000294) of the encoded protein sequence. Five of five in-silico tools predict a damaging effect of the variant on protein function. The variant was absent in 182998 control chromosomes. The available data on variant occurrences in the general population are insufficient to allow any conclusion about variant significance. To our knowledge, no occurrence of c.177C>G in individuals affected with Factor IX Deficiency (Hemophilia B) and no experimental evidence demonstrating its impact on protein function have been reported. No submitters have cited clinical-significance assessments for this variant to ClinVar. Based on the evidence outlined above, the variant was classified as uncertain significance.